The following is an entry in ClinVar:

NM_001164508.2(NEB):c.10675C>G (p.Arg3559Gly)

Gene: NEB (nebulin; minus strand). Cytogenetic location: 2q23.3.
Variant type: single nucleotide variant.
Coding change: c.10675C>G on transcript NM_001164508.2 (MANE Select); coding-DNA position 10675, C replaced by G.
Protein change: p.Arg3559Gly; replaces arginine 3559 with glycine.
Molecular consequence: missense variant.
Genome position (GRCh38, 1-based): chr2:151,619,648, G>C on the plus strand (C>G on the coding strand, the complement: NEB is on the minus strand). VCF-style: chr2-151619648-G-C. GRCh37 (hg19) VCF-style: chr2-152476162-G-C.
Other names: c.10675C>G, p.Arg3559Gly (NM_001164507.2, NM_001271208.2); c.9946C>G, p.Arg3316Gly (NM_004543.5); short protein forms R3316G, R3559G.
Identifiers: ClinVar variation 1501318 (VCV001501318.8), dbSNP rs751938843, ClinGen allele CA348788410.

ClinVar aggregate classification (germline): Likely pathogenic (1 of 4 stars; one submission).

Conditions:
Nemaline myopathy 2 (NEM2). Also called: Nemaline myopathy 2, autosomal recessive. Identifiers: MedGen C1850569, MONDO:0009725, OMIM 256030.

Submission:

Labcorp Genetics (formerly Invitae), Labcorp
Classification: Likely pathogenic for Nemaline myopathy 2. Last evaluated: 2026-01-12. Review status: criteria provided, single submitter. Criteria: Invitae Variant Classification Sherloc (09022015). Collection method: clinical testing. Allele origin: germline.
Comment: This sequence change replaces arginine, which is basic and polar, with glycine, which is neutral and non-polar, at codon 3559 of the NEB protein (p.Arg3559Gly). RNA analysis indicates that this missense change induces altered splicing and may result in an absent or altered protein product. This variant is not present in population databases (gnomAD no frequency). This missense change has been observed in individual(s) with autosomal recessive nemaline myopathy (PMID: 31127727). In at least one individual the data is consistent with being in trans (on the opposite chromosome) from a pathogenic variant. This variant is also known as c.9946C>G (p.Arg3316Gly). ClinVar contains an entry for this variant (Variation ID: 1501318). Experimental studies and prediction algorithms are not available or were not evaluated, and the functional significance of this variant is currently unknown. Studies have shown that this missense change results in a loss of 197 nucleotides, and produces a non-functional protein and/or introduces a premature termination codon (PMID: 31127727). In summary, the currently available evidence indicates that the variant is pathogenic, but additional data are needed to prove that conclusively. Therefore, this variant has been classified as Likely Pathogenic.

Literature cited by the submitters: PubMed 31127727.